The following is an entry in ClinVar:

NM_001843.4(CNTN1):c.221T>G (p.Val74Gly)

Gene: CNTN1 (contactin 1; plus strand). Cytogenetic location: 12q12.
Variant type: single nucleotide variant.
Coding change: c.221T>G on transcript NM_001843.4 (MANE Select); coding-DNA position 221, T replaced by G.
Protein change: p.Val74Gly; replaces valine 74 with glycine.
Molecular consequence: missense variant.
Genome position (GRCh38, 1-based): chr12:40,918,765, T>G. VCF-style: chr12-40918765-T-G. GRCh37 (hg19) VCF-style: chr12-41312567-T-G.
Other names: c.221T>G, p.Val74Gly (NM_001256063.2, NM_001256064.2); c.188T>G, p.Val63Gly (NM_175038.2); short protein forms V63G, V74G.
Identifiers: ClinVar variation 2163651 (VCV002163651.1), dbSNP rs1356264352, ClinGen allele CA384421799.

ClinVar aggregate classification (germline): Uncertain significance (1 of 4 stars; one submission).

Conditions:
Compton-North congenital myopathy (CMYO12). Identifiers: Orphanet 210163, MedGen C2675527, MONDO:0012929, OMIM 612540.

Allele frequency attached by ClinVar (database versions not stated): TOPMed below 0.00001; gnomAD exomes 0.00001.
gnomAD v4.1: 10 of 1,613,664 alleles (0.00062%); highest among the groups gnomAD compares: Non-Finnish European, 0.00085%; no homozygotes.

Submission:

Labcorp Genetics (formerly Invitae), Labcorp
Classification: Uncertain significance for Compton-North congenital myopathy. Last evaluated: 2022-04-24. Review status: criteria provided, single submitter. Criteria: Invitae Variant Classification Sherloc (09022015). Collection method: clinical testing. Allele origin: germline.
Comment: This sequence change replaces valine, which is neutral and non-polar, with glycine, which is neutral and non-polar, at codon 74 of the CNTN1 protein (p.Val74Gly). This variant is present in population databases (no rsID available, gnomAD 0.0009%). This variant has not been reported in the literature in individuals affected with CNTN1-related conditions. Advanced modeling of protein sequence and biophysical properties (such as structural, functional, and spatial information, amino acid conservation, physicochemical variation, residue mobility, and thermodynamic stability) performed at Invitae indicates that this missense variant is not expected to disrupt CNTN1 protein function. In summary, the available evidence is currently insufficient to determine the role of this variant in disease. Therefore, it has been classified as a Variant of Uncertain Significance.